The following is an entry in ClinVar:

ClinVar aggregate classification (germline): Uncertain significance (1 of 4 stars; one submission).

Conditions:
Pierson syndrome. Also called: MICROCORIA-CONGENITAL NEPHROTIC SYNDROME. Identifiers: Orphanet 2670, MedGen C1836876, MONDO:0012184, OMIM 609049.
LAMB2-related infantile-onset nephrotic syndrome. Also called: NEPHROTIC SYNDROME, TYPE 5, WITHOUT OCULAR ABNORMALITIES; NEPHROTIC SYNDROME, TYPE 5, WITH OCULAR ABNORMALITIES; Nephrotic Syndrome, type 5. Identifiers: Orphanet 306507, MedGen C3280113, MONDO:0013621, OMIM 614199.

Allele frequency attached by ClinVar (database versions not stated): gnomAD 0.00001; gnomAD exomes 0.00001; TOPMed 0.00001.
gnomAD v4.1: 4 of 1,609,158 alleles (0.00025%); highest among the groups gnomAD compares: Non-Finnish European, 0.00034%; no homozygotes.

Submission:

Labcorp Genetics (formerly Invitae), Labcorp
Classification: Uncertain significance for LAMB2-related infantile-onset nephrotic syndrome; Pierson syndrome. Last evaluated: 2020-09-25. Review status: criteria provided, single submitter. Criteria: Invitae Variant Classification Sherloc (09022015). Collection method: clinical testing. Allele origin: germline.
Comment: This sequence change replaces alanine with valine at codon 1456 of the LAMB2 protein (p.Ala1456Val). The alanine residue is highly conserved and there is a small physicochemical difference between alanine and valine. This variant is not present in population databases (ExAC no frequency). In summary, the available evidence is currently insufficient to determine the role of this variant in disease. Therefore, it has been classified as a Variant of Uncertain Significance. Algorithms developed to predict the effect of sequence changes on RNA splicing suggest that this variant may create or strengthen a splice site, but this prediction has not been confirmed by published transcriptional studies. Algorithms developed to predict the effect of missense changes on protein structure and function (SIFT, PolyPhen-2, Align-GVGD) all suggest that this variant is likely to be disruptive, but these predictions have not been confirmed by published functional studies and their clinical significance is uncertain. This variant has not been reported in the literature in individuals with LAMB2-related conditions.

NM_002292.4(LAMB2):c.4367C>T (p.Ala1456Val)

Gene: LAMB2 (laminin subunit beta 2; minus strand). Cytogenetic location: 3p21.31.
Variant type: single nucleotide variant.
Coding change: c.4367C>T on transcript NM_002292.4 (MANE Select); coding-DNA position 4367, C replaced by T.
Protein change: p.Ala1456Val; replaces alanine 1456 with valine.
Molecular consequence: missense variant.
Genome position (GRCh38, 1-based): chr3:49,122,910, G>A on the plus strand (C>T on the coding strand, the complement: LAMB2 is on the minus strand). VCF-style: chr3-49122910-G-A. GRCh37 (hg19) VCF-style: chr3-49160343-G-A.
Other names: short protein forms A1456V.
Identifiers: ClinVar variation 1015857 (VCV001015857.3), dbSNP rs1040319445, ClinGen allele CA74476527.
Genomic context (GRCh38, chr3:49,122,910, plus strand): 5'-CTGCTGAGGATGCTACCACCTTCTGCCAGTGCCCGCTGCAGCTCTGCCTGTGTGTGCCGG[G>A]CCCGGCCCAGTGCTAGGTCTGCTGTAGCCGCTGCCCCATTGCAGCTGAGGCCCCCACAGC-3'
Protein context (NP_002283.3, residues 1446-1466): AATADLALGR[Ala1456Val]RHTQAELQRA